The following is an entry in ClinVar:

ClinVar aggregate classification (germline): Benign/Likely benign. Review status: criteria provided, multiple submitters, no conflicts (2 of 4 stars). 5 submissions from 5 submitters: Benign (1); Likely benign (3). 1 of the submissions does not count toward it. Last evaluated 2026-01-16.

Conditions:
Hereditary cancer-predisposing syndrome. Also called: Hereditary neoplastic syndrome; Tumor predisposition; Hereditary Cancer Syndrome; Neoplastic Syndromes, Hereditary. Identifiers: Orphanet 140162, MedGen C0027672, MeSH D009386, MONDO:0015356.
RAD51D-related cancer predisposition. Identifiers: MedGen CN377763, MONDO:0700274.
Breast-ovarian cancer, familial, susceptibility to, 4. Identifiers: Orphanet 145, MedGen C3280345, MONDO:0013669, OMIM 614291.

Allele frequency attached by ClinVar (database versions not stated): gnomAD exomes 0.00003 and 0.00007; gnomAD 0.00004 and 0.00005; TOPMed 0.00007; ExAC 0.00012; 1000 Genomes Project 30x 0.00016; 1000 Genomes Project 0.00020.
gnomAD v4.1: 50 of 1,604,538 alleles (0.0031%); highest among the groups gnomAD compares: East Asian, 0.11%; no homozygotes.

Submissions (5):

Labcorp Genetics (formerly Invitae), Labcorp
Classification: Benign for Breast-ovarian cancer, familial, susceptibility to, 4. Last evaluated: 2026-01-16. Review status: criteria provided, single submitter. Criteria: Invitae Variant Classification Sherloc (09022015). Collection method: clinical testing. Allele origin: germline.

Myriad Genetics, Inc.
Classification: Likely benign for Breast-ovarian cancer, familial, susceptibility to, 4. Last evaluated: 2023-04-06. Review status: criteria provided, single submitter. Criteria: Myriad Autosomal Dominant, Autosomal Recessive and X-Linked Classification Criteria (2023). Collection method: clinical testing. Allele origin: unknown.
Comment: This variant is considered likely benign. This variant is intronic and is not expected to impact mRNA splicing.

Department of Pathology and Laboratory Medicine, Sinai Health System
Classification: Likely benign for RAD51D-related cancer predisposition. Last evaluated: 2020-11-11. Review status: criteria provided, single submitter. Criteria: ACMG Guidelines, 2015. Collection method: clinical testing. Allele origin: germline. Affected: yes.

Color Diagnostics, LLC DBA Color Health
Classification: Likely benign for Hereditary cancer-predisposing syndrome. Last evaluated: 2015-10-20. Review status: criteria provided, single submitter. Criteria: ACMG Guidelines, 2015. Collection method: clinical testing. Allele origin: germline.

Counsyl
Classification: Likely benign for Breast-ovarian cancer, familial, susceptibility to, 4. Last evaluated: 2017-11-03. Review status: no assertion criteria provided. Collection method: clinical testing. Allele origin: unknown. Not counted in ClinVar's aggregate classification.

NM_002878.4(RAD51D):c.145-14G>C

Genes: RAD51D (RAD51 paralog D; minus strand), RAD51L3-RFFL (RAD51L3-RFFL readthrough; minus strand). Cytogenetic location: 17q12.
Variant type: single nucleotide variant.
Coding change: c.145-14G>C on transcript NM_002878.4 (MANE Select); 14 bases into the intron before coding-DNA position 145, G replaced by C.
Molecular consequence: intron variant.
Genome position (GRCh38, 1-based): chr17:35,118,633, C>G on the plus strand (G>C on the coding strand, the complement: RAD51D is on the minus strand). VCF-style: chr17-35118633-C-G. GRCh37 (hg19) VCF-style: chr17-33445652-C-G.
Other names: c.144+478G>C (NM_133629.3, NM_001142571.2).
Identifiers: ClinVar variation 492410 (VCV000492410.13), dbSNP rs200470533, ClinGen allele CA8499644.